The following is an entry in ClinVar:

NM_000179.3(MSH6):c.151_167del (p.Ser51fs)

Gene: MSH6 (mutS homolog 6; plus strand). Cytogenetic location: 2p16.3.
Variant type: Deletion.
Coding change: c.151_167del on transcript NM_000179.3 (MANE Select); coding-DNA positions 151 to 167, 17 bases deleted (AGCGAGGCTGGGCCTGG).
Protein change: p.Ser51fs; shifts the reading frame from serine 51.
Molecular consequence: frameshift variant. On other transcripts: 5 prime UTR variant (1).
Genome position (GRCh38, 1-based): chr2:47,783,384-47,783,400, AGCGAGGCTGGGCCTGG deleted; deleting any 17 consecutive bases within chr2:47,783,377-47,783,400 gives the same sequence; the c. name uses the placement nearest the transcript's 3' end. VCF-style (leftmost placement, unchanged base first): chr2-47783376-CGGCCTGGAGCGAGGCTG-C. GRCh37 (hg19) VCF-style: chr2-48010515-CGGCCTGGAGCGAGGCTG-C.
Other names: c.151_167del, p.Ser51fs (NM_001281492.2); c.-586_-570del (NM_001281493.2); c.151_167del17, p.Ser51Alafs (NM_001406795.1, NM_001406796.1, NM_001406798.1 and 8 more transcripts); c.-178_-162del17 (NM_001406799.1); c.96_112del17, p.Ala33Profs (NM_001406804.1); c.-778_-762del17 (NM_001406807.1); c.-586_-570del17 (NM_001406811.1); c.-433_-417del17 (NM_001406812.1); and 2 more; short protein forms S51fs.
Identifiers: ClinVar variation 1774188 (VCV001774188.3), dbSNP rs1553408267, ClinGen allele CA2580067056.

ClinVar aggregate classification (germline): Pathogenic. Review status: criteria provided, multiple submitters, no conflicts (2 of 4 stars). 2 submissions from 2 submitters: Pathogenic (2). Last evaluated 2023-08-09.

Conditions:
Hereditary cancer-predisposing syndrome. Also called: Hereditary Cancer Syndrome; Hereditary neoplastic syndrome; Neoplastic Syndromes, Hereditary; Tumor predisposition. Identifiers: Orphanet 140162, MedGen C0027672, MeSH D009386, MONDO:0015356.
Lynch syndrome 5 (LYNCH5). Also called: Hereditary non-polyposis colorectal cancer, type 5; Colorectal cancer, hereditary nonpolyposis, type 5. Identifiers: Orphanet 144, MedGen C1833477, MONDO:0013710, OMIM 614350. Disease mechanism: loss of function.

Submissions (2):

Myriad Genetics, Inc.
Classification: Pathogenic for Lynch syndrome 5. Last evaluated: 2023-08-09. Review status: criteria provided, single submitter. Criteria: Myriad Autosomal Dominant, Autosomal Recessive and X-Linked Classification Criteria (2023). Collection method: clinical testing. Allele origin: unknown.
Comment: This variant is considered pathogenic. This variant creates a frameshift predicted to result in premature protein truncation.

Ambry Genetics
Classification: Pathogenic for Hereditary cancer-predisposing syndrome. Last evaluated: 2022-08-02. Review status: criteria provided, single submitter. Criteria: Ambry Variant Classification Scheme 2023. Collection method: clinical testing. Allele origin: germline.
Comment: The c.151_167del17 pathogenic mutation, located in coding exon 1 of the MSH6 gene, results from a deletion of 17 nucleotides at nucleotide positions 151 to 167, causing a translational frameshift with a predicted alternate stop codon (p.S51Afs*33). This alteration is expected to result in loss of function by premature protein truncation or nonsense-mediated mRNA decay. As such, this alteration is interpreted as a disease-causing mutation.